The following is an entry in ClinVar:

NM_001164508.2(NEB):c.6430T>G (p.Tyr2144Asp)

Gene: NEB (nebulin; minus strand). Cytogenetic location: 2q23.3.
Variant type: single nucleotide variant.
Coding change: c.6430T>G on transcript NM_001164508.2 (MANE Select); coding-DNA position 6430, T replaced by G.
Protein change: p.Tyr2144Asp; replaces tyrosine 2144 with aspartic acid.
Molecular consequence: missense variant.
Genome position (GRCh38, 1-based): chr2:151,656,218, A>C on the plus strand (T>G on the coding strand, the complement: NEB is on the minus strand). VCF-style: chr2-151656218-A-C. GRCh37 (hg19) VCF-style: chr2-152512732-A-C.
Other names: c.6430T>G, p.Tyr2144Asp (NM_001164507.2, NM_001271208.2, NM_004543.5); short protein forms Y2144D.
Identifiers: ClinVar variation 2063460 (VCV002063460.4), dbSNP rs1329627487, ClinGen allele CA348798710.
Genomic context (GRCh38, chr2:151,656,218, plus strand): 5'-TCTGTATGCGATTCATATTCCTGGTCAGCTCAATGTTCATTGCATCTGGAAGGAGGATGT[A>C]CTTGTGAATCAGGTGCTTGTAGTTAGTGTTGGTGATGTTGGCTTGGGCATCCTTTGCAGC-3'
Protein context (NP_001157980.2, residues 2134-2154): NTNYKHLIHK[Tyr2144Asp]ILLPDAMNIE

ClinVar aggregate classification (germline): Uncertain significance (1 of 4 stars; one submission).

Conditions:
Nemaline myopathy 2 (NEM2). Also called: Nemaline myopathy 2, autosomal recessive. Identifiers: MedGen C1850569, MONDO:0009725, OMIM 256030.

Submission:

Labcorp Genetics (formerly Invitae), Labcorp
Classification: Uncertain significance for Nemaline myopathy 2. Last evaluated: 2023-11-13. Review status: criteria provided, single submitter. Criteria: Invitae Variant Classification Sherloc (09022015). Collection method: clinical testing. Allele origin: germline.
Comment: This sequence change replaces tyrosine, which is neutral and polar, with aspartic acid, which is acidic and polar, at codon 2144 of the NEB protein (p.Tyr2144Asp). This variant is not present in population databases (gnomAD no frequency). This variant has not been reported in the literature in individuals affected with NEB-related conditions. ClinVar contains an entry for this variant (Variation ID: 2063460). Experimental studies and prediction algorithms are not available or were not evaluated, and the functional significance of this variant is currently unknown. In summary, the available evidence is currently insufficient to determine the role of this variant in disease. Therefore, it has been classified as a Variant of Uncertain Significance.